The following is an entry in ClinVar:

ClinVar aggregate classification (germline): Likely benign. Review status: criteria provided, multiple submitters, no conflicts (2 of 4 stars). 2 submissions from 2 submitters: Likely benign (2). Last evaluated 2026-09-18.

Conditions:
HPS3-related disorder. Also called: HPS3-related condition.

Allele frequency attached by ClinVar (database versions not stated): gnomAD exomes below 0.00001.
gnomAD v4.1: 1 of 1,613,944 alleles (0.000062%); highest among the groups gnomAD compares: Admixed American, 0.0017%; no homozygotes.

Submissions (2):

PreventionGenetics, part of Exact Sciences
Classification: Likely benign for HPS3-related condition. Last evaluated: 2026-09-18. Review status: criteria provided, single submitter. Criteria: ACMG Guidelines, 2015. Collection method: clinical testing. Allele origin: germline.
Comment: This variant is classified as likely benign based on ACMG/AMP sequence variant interpretation guidelines (Richards et al. 2015 PMID: 25741868, with internal and published modifications).

Labcorp Genetics (formerly Invitae), Labcorp
Classification: Likely benign. Last evaluated: 2025-07-27. Review status: criteria provided, single submitter. Criteria: Invitae Variant Classification Sherloc (09022015). Collection method: clinical testing. Allele origin: germline.

NM_032383.5(HPS3):c.1400+9C>A

Gene: HPS3 (HPS3 biogenesis of lysosomal organelles complex 2 subunit 1; plus strand). Cytogenetic location: 3q24.
Variant type: single nucleotide variant.
Coding change: c.1400+9C>A on transcript NM_032383.5 (MANE Select); 9 bases into the intron after coding-DNA position 1400, C replaced by A.
Molecular consequence: intron variant.
Genome position (GRCh38, 1-based): chr3:149,153,657, C>A. VCF-style: chr3-149153657-C-A. GRCh37 (hg19) VCF-style: chr3-148871444-C-A.
Other names: c.905+9C>A (NM_001308258.2); c.1400+9C>A (NM_032383.4).
Identifiers: ClinVar variation 1532427 (VCV001532427.9), dbSNP rs1447935722, ClinGen allele CA546938454.